The following is an entry in ClinVar:

ClinVar aggregate classification (germline): Benign/Likely benign. Review status: criteria provided, multiple submitters, no conflicts (2 of 4 stars). 4 submissions from 4 submitters: Benign (1); Likely benign (3). Last evaluated 2026-01-04.

Conditions:
Renal cell carcinoma. Identifiers: Orphanet 217071, MedGen C0007134, MeSH D002292, MONDO:0005086, HP:0005584.
Hereditary cancer-predisposing syndrome. Also called: Hereditary neoplastic syndrome; Tumor predisposition; Hereditary Cancer Syndrome; Neoplastic Syndromes, Hereditary. Identifiers: Orphanet 140162, MedGen C0027672, MeSH D009386, MONDO:0015356.
Papillary renal cell carcinoma type 1 (RCCP1). Also called: Renal adenocarcinoma; Renal cell carcinoma 1; Renal cell carcinoma, somatic; RENAL CELL CARCINOMA, PAPILLARY, 1, SOMATIC. Identifiers: Orphanet 47044, MedGen C1336839, OMIM 605074, HP:0011797.

gnomAD v4.1: 31 of 1,613,962 alleles (0.0019%); highest among the groups gnomAD compares: Middle Eastern, 0.016%; no homozygotes.

Submissions (4):

Labcorp Genetics (formerly Invitae), Labcorp
Classification: Likely benign for Renal cell carcinoma. Last evaluated: 2026-01-04. Review status: criteria provided, single submitter. Criteria: Invitae Variant Classification Sherloc (09022015). Collection method: clinical testing. Allele origin: germline.

Myriad Genetics, Inc.
Classification: Benign for Papillary renal cell carcinoma type 1. Last evaluated: 2024-11-15. Review status: criteria provided, single submitter. Criteria: Myriad Autosomal Dominant, Autosomal Recessive and X-Linked Classification Criteria (2023). Collection method: clinical testing. Allele origin: unknown.
Comment: This variant is considered benign. This variant is a silent/synonymous amino acid change and it is not expected to impact splicing.

GeneDx
Classification: Likely benign. Last evaluated: 2020-09-16. Review status: criteria provided, single submitter. Criteria: GeneDx Variant Classification Process June 2021. Collection method: clinical testing. Allele origin: germline. Affected: yes.
Comment: This variant is associated with the following publications: (PMID: 12920089, 9140397)

Ambry Genetics
Classification: Likely benign for Hereditary cancer-predisposing syndrome. Last evaluated: 2018-05-07. Review status: criteria provided, single submitter. Criteria: Ambry Variant Classification Scheme 2023. Collection method: clinical testing. Allele origin: germline.

NM_000245.4(MET):c.4017G>C (p.Ala1339=)

Gene: MET (MET proto-oncogene, receptor tyrosine kinase; plus strand). Cytogenetic location: 7q31.2.
Variant type: single nucleotide variant.
Coding change: c.4017G>C on transcript NM_000245.4 (MANE Select); coding-DNA position 4017, G replaced by C.
Protein change: p.Ala1339=; no amino-acid change (alanine 1339 retained).
Molecular consequence: synonymous variant.
Genome position (GRCh38, 1-based): chr7:116,795,968, G>C. VCF-style: chr7-116795968-G-C. GRCh37 (hg19) VCF-style: chr7-116436022-G-C.
Other names: c.4071G>C, p.Ala1357= (NM_001127500.3); c.2727G>C, p.Ala909= (NM_001324402.2); c.4071G>C (LRG_662t1).
Identifiers: ClinVar variation 219564 (VCV000219564.19), dbSNP rs2023748, ClinGen allele CA349141.